The following is an entry in ClinVar:

ClinVar aggregate classification (germline): Benign/Likely benign. Review status: criteria provided, multiple submitters, no conflicts (2 of 4 stars). 3 submissions from 3 submitters: Benign (1); Likely benign (2). Last evaluated 2025-12-23.

Allele frequency attached by ClinVar (database versions not stated): gnomAD exomes 0.00113 and 0.00281; ExAC 0.00337; 1000 Genomes Project 0.01078; 1000 Genomes Project 30x 0.01124; gnomAD 0.01135 and 0.01226; TOPMed 0.01254; ESP Exome Variant Server 0.01392.
gnomAD v4.1: 3,460 of 1,613,676 alleles (0.21%); highest among the groups gnomAD compares: African/African-American, 4.1%; 68 homozygotes.

Submissions (3):

Labcorp Genetics (formerly Invitae), Labcorp
Classification: Benign. Last evaluated: 2025-12-23. Review status: criteria provided, single submitter. Criteria: Invitae Variant Classification Sherloc (09022015). Collection method: clinical testing. Allele origin: germline.

GeneDx
Classification: Likely benign. Last evaluated: 2022-04-26. Review status: criteria provided, single submitter. Criteria: GeneDx Variant Classification Process June 2021. Collection method: clinical testing. Allele origin: germline. Affected: yes.
Comment: See Variant Classification Assertion Criteria.

Breakthrough Genomics
Classification: Likely benign. Review status: criteria provided, single submitter. Criteria: ACMG Guidelines, 2015. Collection method: not provided. Allele origin: germline. Inheritance: Unknown mechanism. Affected: yes.

NM_015158.5(KANK1):c.346A>G (p.Thr116Ala)

Gene: KANK1 (KN motif and ankyrin repeat domains 1; plus strand). Cytogenetic location: 9p24.3.
Variant type: single nucleotide variant.
Coding change: c.346A>G on transcript NM_015158.5 (MANE Select); coding-DNA position 346, A replaced by G.
Protein change: p.Thr116Ala; replaces threonine 116 with alanine.
Molecular consequence: missense variant. On other transcripts: 5 prime UTR variant (12), non-coding transcript variant (1).
Genome position (GRCh38, 1-based): chr9:711,112, A>G. VCF-style: chr9-711112-A-G. GRCh37 (hg19) VCF-style: chr9-711112-A-G.
Other names: c.346A>G, p.Thr116Ala (NM_001256876.3, NM_001256877.3, NM_001354331.2 and 2 more transcripts); c.-129A>G (NM_001354333.2, NM_001354335.2, NM_001354336.2 and 9 more transcripts); short protein forms T116A.
Identifiers: ClinVar variation 783538 (VCV000783538.12), dbSNP rs113951662, ClinGen allele CA4959918.